The following is an entry in ClinVar:

NM_000540.3(RYR1):c.14387A>G (p.Tyr4796Cys)

Gene: RYR1 (ryanodine receptor 1; plus strand). Cytogenetic location: 19q13.2.
Variant type: single nucleotide variant.
Coding change: c.14387A>G on transcript NM_000540.3 (MANE Select); coding-DNA position 14387, A replaced by G.
Protein change: p.Tyr4796Cys; replaces tyrosine 4796 with cysteine.
Molecular consequence: missense variant.
Genome position (GRCh38, 1-based): chr19:38,580,004, A>G. VCF-style: chr19-38580004-A-G. GRCh37 (hg19) VCF-style: chr19-39070644-A-G.
Other names: NM_000540.3(RYR1):c.14387A>G; c.14372A>G, p.Tyr4791Cys (NM_001042723.2); short protein forms Y4796C, Y4791C.
Identifiers: ClinVar variation 12979 (VCV000012979.11), dbSNP rs118192167, ClinGen allele CA024131.

ClinVar aggregate classification (germline): Uncertain significance; drug response. Review status: reviewed by expert panel (3 of 4 stars). 12 submissions from 6 submitters: Uncertain significance (1). 4 of the submissions do not count toward it. Last evaluated 2025-08-01.

Conditions:
RYR1-related disorder. Also called: RYR1-related disorders; RYR1-related condition. Identifiers: MedGen CN239331.
Malignant hyperthermia, susceptibility to, 1 (MHS1). Also called: Malignant hyperthermia suceptibility 1; Anesthesia related hyperthermia; Malignant hyperpyrexia; Fulminating hyperpyrexia; Pharmacogenic myopathy; RYR1-Related Malignant Hyperthermia Susceptibility. Identifiers: Orphanet 423, MedGen C2930980, MONDO:0007783, OMIM 145600.
Central core myopathy (CMYO1A). Also called: CONGENITAL MYOPATHY 1A, AUTOSOMAL DOMINANT, WITH SUSCEPTIBILITY TO MALIGNANT HYPERTHERMIA; Central core disease; Myopathy, central fibrillar. Identifiers: Orphanet 597, MedGen C5830701, MONDO:0007294, OMIM 117000.
enflurane response - Toxicity.
desflurane response - Toxicity.
succinylcholine response - Toxicity.
sevoflurane response - Toxicity.
methoxyflurane response - Toxicity.
isoflurane response - Toxicity.
halothane response - Toxicity.

Submissions (12):

ClinGen Malignant Hyperthermia Susceptibility Variant Curation Expert Panel, ClinGen
Classification: Uncertain significance for Malignant hyperthermia, susceptibility to, 1. Last evaluated: 2025-08-01. Review status: reviewed by expert panel. Criteria: ClinGen MHS ACMG Specifications V2. Collection method: curation. Allele origin: germline. Inheritance: Autosomal dominant inheritance.
Comment: The ClinGen RYR1-MHS variant curation expert panel is focused on assessing variants in RYR1 for pathogenicity as related to malignant hyperthermia susceptibility (MHS) inherited in an autosomal dominant pattern. Variants in RYR1 can also cause other myopathies inherited in an autosomal dominant pattern or in an autosomal recessive pattern. Some of these disorders may predispose individuals to malignant hyperthermia. RYR1 variants may also contribute to a malignant hyperthermia reaction in combination with other genetic and non-genetic factors and the clinician needs to consider such factors in making management decisions. This sequence variant predicts a substitution of Tyrosine with Cysteine at codon 4796 of the RYR1 protein, p.(Tyr4796Cys). This variant was not present in a large population database (gnomAD) at the time this variant was interpreted. This variant has been reported in individuals with a personal or family history of an MH episode or central core disease but without sufficient information to consider the reports for informing PS4 in relation to MHS inherited in an autosomal dominant pattern (PMID:11063719). Functional studies have been published for this variant; however, those assays were not considered standard assays for variant interpretation in regard to MHS by the ClinGen RYR1 VCEP (PMID:12642598, PMID:15347586, PMID:28687594). This variant resides in a region of RYR1 considered to be a hotspot for pathogenic variants that contribute to MHS, PM1_Supporting (PMID:21118704). A REVEL score >0.85 supports a pathogenic status for this variant, PP3_Moderate. This variant has been classified as a Variant of Unknown Significance. Criteria implemented: PM1_Supporting, PP3_Moderate.

ClinPGx
Classification: drug response for desflurane response - Toxicity. Last evaluated: 2021-03-24. Review status: reviewed by expert panel. Criteria: Pharmacogenomics knowledge for personalized medicine. Collection method: curation. Allele origin: germline. Affected: yes.
Comment: PharmGKB Level of Evidence 1A: Level 1A clinical annotations describe variant-drug combinations that have variant-specific prescribing guidance available in a current clinical guideline annotation or an FDA-approved drug label annotation. Annotations of drug labels or clinical guidelines must give prescribing guidance for specific variants (e.g. CYP2C9*3, HLA-B*57:01) or provide mapping from defined allele functions to diplotypes and phenotypes to be used as supporting evidence for a level 1A clinical annotation. Level 1A clinical annotations must also be supported by at least one publication in addition to a clinical guideline or drug label with variant-specific prescribing guidance.

Drug is not necessarily used to treat response condition

ClinPGx
Classification: drug response for enflurane response - Toxicity. Last evaluated: 2021-03-24. Review status: reviewed by expert panel. Criteria: Pharmacogenomics knowledge for personalized medicine. Collection method: curation. Allele origin: germline. Affected: yes.
Comment: the same text as in the submission from ClinPGx above.

ClinPGx
Classification: drug response for halothane response - Toxicity. Last evaluated: 2021-03-24. Review status: reviewed by expert panel. Criteria: Pharmacogenomics knowledge for personalized medicine. Collection method: curation. Allele origin: germline. Affected: yes.
Comment: the same text as in the submission from ClinPGx above.

ClinPGx
Classification: drug response for isoflurane response - Toxicity. Last evaluated: 2021-03-24. Review status: reviewed by expert panel. Criteria: Pharmacogenomics knowledge for personalized medicine. Collection method: curation. Allele origin: germline. Affected: yes.
Comment: the same text as in the submission from ClinPGx above.

ClinPGx
Classification: drug response for methoxyflurane response - Toxicity. Last evaluated: 2021-03-24. Review status: reviewed by expert panel. Criteria: Pharmacogenomics knowledge for personalized medicine. Collection method: curation. Allele origin: germline. Affected: yes.
Comment: the same text as in the submission from ClinPGx above.

ClinPGx
Classification: drug response for sevoflurane response - Toxicity. Last evaluated: 2021-03-24. Review status: reviewed by expert panel. Criteria: Pharmacogenomics knowledge for personalized medicine. Collection method: curation. Allele origin: germline. Affected: yes.
Comment: the same text as in the submission from ClinPGx above.

ClinPGx
Classification: drug response for succinylcholine response - Toxicity. Last evaluated: 2021-03-24. Review status: reviewed by expert panel. Criteria: Pharmacogenomics knowledge for personalized medicine. Collection method: curation. Allele origin: germline. Affected: yes.
Comment: the same text as in the submission from ClinPGx above.

Labcorp Genetics (formerly Invitae), Labcorp
Classification: Pathogenic for RYR1-Related Disorders. Last evaluated: 2020-01-02. Review status: criteria provided, single submitter. Criteria: Invitae Variant Classification Sherloc (09022015). Collection method: clinical testing. Allele origin: germline. Not counted in ClinVar's aggregate classification.
Comment: This sequence change replaces tyrosine with cysteine at codon 4796 of the RYR1 protein (p.Tyr4796Cys). The tyrosine residue is highly conserved and there is a large physicochemical difference between tyrosine and cysteine. This variant is not present in population databases (ExAC no frequency). This variant has been observed in individual(s) with RYR1-related conditions (PMID: 11063719). It has also been observed to segregate with disease in related individuals. ClinVar contains an entry for this variant (Variation ID: 12979). This variant has been reported to affect RYR1 protein function (PMID: 11063719, 28687594). Algorithms developed to predict the effect of sequence changes on RNA splicing suggest that this variant may create or strengthen a splice site, but this prediction has not been confirmed by published transcriptional studies. This missense change is located in a region of the RYR1 protein where a significant number of previously reported RYR1 missense mutations are found (PMID: 16084090). These observations suggest that this may be a clinically significant region of the protein. For these reasons, this variant has been classified as Pathogenic.

GeneReviews
Classification: Pathogenic for Central Core Disease. Last evaluated: 2010-05-11. Review status: no assertion criteria provided. Collection method: curation. Allele origin: unknown. Not counted in ClinVar's aggregate classification.
ClinVar note: Converted during submission from pathologic to Pathogenic.

OMIM
Classification: risk factor for CONGENITAL MYOPATHY 1A, AUTOSOMAL DOMINANT, WITH SUSCEPTIBILITY TO MALIGNANT HYPERTHERMIA. Last evaluated: 2000-11-01. Review status: no assertion criteria provided. Collection method: literature only. Allele origin: germline. Not counted in ClinVar's aggregate classification.

RYR1 database
No classification provided. Review status: no classification provided. Collection method: not provided. Allele origin: unknown. Not counted in ClinVar's aggregate classification.

Literature cited by the submitters: PubMed 11063719 (cited by 3 submitters); PubMed 28687594 (cited by Labcorp Genetics (formerly Invitae), Labcorp); PubMed 16084090 (cited by Labcorp Genetics (formerly Invitae), Labcorp).